The following is an entry in ClinVar:

ClinVar aggregate classification (germline): Uncertain significance (1 of 4 stars; one submission).

Submission:

GeneDx
Classification: Uncertain significance. Last evaluated: 2026-03-30. Review status: criteria provided, single submitter. Criteria: GeneDx Variant Classification Process June 2021. Collection method: clinical testing. Allele origin: germline.
Comment: Not observed at significant frequency in large population cohorts (gnomAD); In silico analysis supports that this missense variant has a deleterious effect on protein structure/function; Has not been previously published as pathogenic or benign to our knowledge

NM_001291303.3(FAT4):c.6095C>T (p.Thr2032Ile)

Gene: FAT4 (FAT atypical cadherin 4; plus strand). Cytogenetic location: 4q28.1.
Variant type: single nucleotide variant.
Coding change: c.6095C>T on transcript NM_001291303.3 (MANE Select); coding-DNA position 6095, C replaced by T.
Protein change: p.Thr2032Ile; replaces threonine 2032 with isoleucine.
Molecular consequence: missense variant.
Genome position (GRCh38, 1-based): chr4:125,415,058, C>T. VCF-style: chr4-125415058-C-T. GRCh37 (hg19) VCF-style: chr4-126336213-C-T.
Other names: c.6095C>T, p.Thr2032Ile (NM_024582.6, NM_001291285.3, NM_001438396.1 and 1 more transcripts); c.866C>T, p.Thr289Ile (NM_001437895.1); short protein forms T2032I, T289I.
Identifiers: ClinVar variation 5017965 (VCV005017965.1).